The following is an entry in ClinVar:

ClinVar aggregate classification (germline): Pathogenic. Review status: criteria provided, multiple submitters, no conflicts (2 of 4 stars). 4 submissions from 4 submitters: Pathogenic (4). Last evaluated 2025-08-18.

Conditions:
Hereditary cancer-predisposing syndrome. Also called: Hereditary neoplastic syndrome; Hereditary Cancer Syndrome; Neoplastic Syndromes, Hereditary; Tumor predisposition. Identifiers: Orphanet 140162, MedGen C0027672, MeSH D009386, MONDO:0015356.
Familial cancer of breast. Also called: Hereditary breast cancer; BREAST CANCER, FAMILIAL; hereditary breast carcinoma. Identifiers: Orphanet 227535, MedGen C0346153, MONDO:0016419, OMIM 114480. Disease mechanism: loss of function.
Hereditary breast ovarian cancer syndrome. Also called: Hereditary breast and ovarian cancer syndrome; Hereditary breast and ovarian cancer syndrome (HBOC); Breast and ovarian cancer; Hereditary breast and/or ovarian cancer syndrome; Hereditary breast and ovarian cancer; BRCA1- and BRCA2-Associated Hereditary Breast and Ovarian Cancer. Identifiers: Orphanet 145, MedGen C0677776, MeSH D061325, MONDO:0003582. Disease mechanism: loss of function.

Submissions (4):

Labcorp Genetics (formerly Invitae), Labcorp
Classification: Pathogenic for Familial cancer of breast. Last evaluated: 2025-08-18. Review status: criteria provided, single submitter. Criteria: Invitae Variant Classification Sherloc (09022015). Collection method: clinical testing. Allele origin: germline.
Comment: This sequence change creates a premature translational stop signal (p.Glu181*) in the PALB2 gene. It is expected to result in an absent or disrupted protein product. Loss-of-function variants in PALB2 are known to be pathogenic (PMID: 17200668, 17200671, 17200672, 24136930, 25099575). This variant is not present in population databases (gnomAD no frequency). This variant has not been reported in the literature in individuals affected with PALB2-related conditions. ClinVar contains an entry for this variant (Variation ID: 229757). For these reasons, this variant has been classified as Pathogenic.

Ambry Genetics
Classification: Pathogenic for Hereditary cancer-predisposing syndrome. Last evaluated: 2025-01-09. Review status: criteria provided, single submitter. Criteria: Ambry Variant Classification Scheme 2023. Collection method: clinical testing. Allele origin: germline.
Comment: The p.E181* pathogenic mutation (also known as c.541G>T), located in coding exon 4 of the PALB2 gene, results from a G to T substitution at nucleotide position 541. This changes the amino acid from a glutamic acid to a stop codon within coding exon 4. This alteration is expected to result in loss of function by premature protein truncation or nonsense-mediated mRNA decay. As such, this alteration is interpreted as a disease-causing mutation.

Women's Health and Genetics/Laboratory Corporation of America, LabCorp
Classification: Pathogenic for Hereditary breast ovarian cancer syndrome. Last evaluated: 2024-12-13. Review status: criteria provided, single submitter. Criteria: LabCorp Variant Classification Summary - May 2015. Collection method: clinical testing. Allele origin: germline.
Comment: Variant summary: PALB2 c.541G>T (p.Glu181X) results in a premature termination codon, predicted to cause a truncation of the encoded protein or absence of the protein due to nonsense mediated decay, which are commonly known mechanisms for disease. The variant was absent in 251444 control chromosomes. c.541G>T has been reported in the literature in an individual affected with Hereditary Breast And Ovarian Cancer Syndrome. To our knowledge, no experimental evidence demonstrating an impact on protein function has been reported. The following publication have been ascertained in the context of this evaluation (PMID: 32339256). ClinVar contains an entry for this variant (Variation ID: 229757). Based on the evidence outlined above, the variant was classified as pathogenic.

Myriad Genetics, Inc.
Classification: Pathogenic for Familial cancer of breast. Last evaluated: 2023-09-06. Review status: criteria provided, single submitter. Criteria: Myriad Autosomal Dominant, Autosomal Recessive and X-Linked Classification Criteria (2023). Collection method: clinical testing. Allele origin: unknown.
Comment: This variant is considered pathogenic. This variant creates a termination codon and is predicted to result in premature protein truncation.

Literature cited by the submitters: PubMed 17200668 (cited by Labcorp Genetics (formerly Invitae), Labcorp); PubMed 17200671 (cited by Labcorp Genetics (formerly Invitae), Labcorp); PubMed 17200672 (cited by Labcorp Genetics (formerly Invitae), Labcorp); PubMed 24136930 (cited by Labcorp Genetics (formerly Invitae), Labcorp); PubMed 25099575 (cited by Labcorp Genetics (formerly Invitae), Labcorp); PubMed 32339256 (cited by Women's Health and Genetics/Laboratory Corporation of America, LabCorp).

NM_024675.4(PALB2):c.541G>T (p.Glu181Ter)

Gene: PALB2 (partner and localizer of BRCA2; minus strand). Cytogenetic location: 16p12.2.
Variant type: single nucleotide variant.
Coding change: c.541G>T on transcript NM_024675.4 (MANE Select); coding-DNA position 541, G replaced by T.
Protein change: p.Glu181Ter; replaces glutamic acid 181 with a stop codon.
Molecular consequence: nonsense.
Genome position (GRCh38, 1-based): chr16:23,636,005, C>A on the plus strand (G>T on the coding strand, the complement: PALB2 is on the minus strand). VCF-style: chr16-23636005-C-A. GRCh37 (hg19) VCF-style: chr16-23647326-C-A.
Other names: short protein forms E181*.
Identifiers: ClinVar variation 229757 (VCV000229757.17), dbSNP rs864622280, ClinGen allele CA10580039.
Genomic context (GRCh38, chr16:23,636,005, plus strand): 5'-TTAAAAGGTGAGTTCTTATTTCAGTTACTGGTGATCTAGCAGGATTTTTGCTACTGATTT[C>A]TTCCTGTTCCTTTAGTCTTTTCCCAGACAATCTGAGTGAATCAGTGCCAAAGACACAGTC-3'